The following is an entry in ClinVar:

ClinVar aggregate classification (germline): Uncertain significance (1 of 4 stars; one submission).

Submission:

GeneDx
Classification: Uncertain significance. Last evaluated: 2024-02-08. Review status: criteria provided, single submitter. Criteria: GeneDx Variant Classification Process June 2021. Collection method: clinical testing. Allele origin: germline. Affected: yes.
Comment: Not observed at significant frequency in large population cohorts (gnomAD); In silico analysis supports that this missense variant does not alter protein structure/function; Has not been previously published as pathogenic or benign to our knowledge

NM_138711.6(PPARG):c.425T>C (p.Ile142Thr)

Gene: PPARG (peroxisome proliferator activated receptor gamma; plus strand). Cytogenetic location: 3p25.2.
Variant type: single nucleotide variant.
Coding change: c.425T>C on transcript NM_138711.6 (MANE Select); coding-DNA position 425, T replaced by C.
Protein change: p.Ile142Thr; replaces isoleucine 142 with threonine.
Molecular consequence: missense variant. On other transcripts: 5 prime UTR variant (1).
Genome position (GRCh38, 1-based): chr3:12,392,648, T>C. VCF-style: chr3-12392648-T-C. GRCh37 (hg19) VCF-style: chr3-12434147-T-C.
Other names: c.425T>C, p.Ile142Thr (NM_001330615.4, NM_001354666.3, NM_001354667.3 and 6 more transcripts); c.515T>C, p.Ile172Thr (NM_001354668.2, NM_001374265.1, NM_015869.5); c.-3T>C (NM_001354669.2); c.431T>C, p.Ile144Thr (NM_001354670.2, NM_001374266.1); short protein forms I142T, I144T, I172T.
Identifiers: ClinVar variation 3368902 (VCV003368902.1).